The following is an entry in ClinVar:

ClinVar aggregate classification (germline): Likely pathogenic (1 of 4 stars; one submission).

Conditions:
KBG syndrome (KBGS). Also called: ANKRD11-Related KBG Syndrome. Identifiers: Orphanet 2332, MedGen C0220687, MONDO:0007846, OMIM 148050.

Submission:

Greenwood Genetic Center Diagnostic Laboratories, Greenwood Genetic Center
Classification: Likely pathogenic for KBG syndrome. Last evaluated: 2021-09-15. Review status: criteria provided, single submitter. Criteria: ACMG Guidelines, 2015. Collection method: clinical testing. Allele origin: germline. Affected: yes.
Comment: PVS1, PM2

NM_013275.6(ANKRD11):c.1009C>T (p.Gln337Ter)

Gene: ANKRD11 (ankyrin repeat domain 11; minus strand). Cytogenetic location: 16q24.3.
Variant type: single nucleotide variant.
Coding change: c.1009C>T on transcript NM_013275.6 (MANE Select); coding-DNA position 1009, C replaced by T.
Protein change: p.Gln337Ter; replaces glutamine 337 with a stop codon.
Molecular consequence: nonsense.
Genome position (GRCh38, 1-based): chr16:89,285,533, G>A on the plus strand (C>T on the coding strand, the complement: ANKRD11 is on the minus strand). VCF-style: chr16-89285533-G-A. GRCh37 (hg19) VCF-style: chr16-89351941-G-A.
Other names: c.1009C>T, p.Gln337Ter (NM_001256182.2, NM_001256183.2); short protein forms Q337*.
Identifiers: ClinVar variation 1334568 (VCV001334568.4), dbSNP rs2151766442, ClinGen allele CA397165942.